The following is an entry in ClinVar:

ClinVar aggregate classification (germline): Uncertain significance (1 of 4 stars; one submission).

Allele frequency attached by ClinVar (database versions not stated): TOPMed below 0.00001.

Submission:

GeneDx
Classification: Uncertain significance. Last evaluated: 2025-08-30. Review status: criteria provided, single submitter. Criteria: GeneDx Variant Classification Process June 2021. Collection method: clinical testing. Allele origin: germline. Affected: yes.
Comment: Not observed at significant frequency in large population cohorts (gnomAD); In silico analysis supports that this missense variant has a deleterious effect on protein structure/function; Has not been previously published as pathogenic or benign to our knowledge

NM_201599.3(ZMYM3):c.3934C>T (p.Arg1312Trp)

Gene: ZMYM3 (zinc finger MYM-type containing 3; minus strand). Cytogenetic location: Xq13.1.
Variant type: single nucleotide variant.
Coding change: c.3934C>T on transcript NM_201599.3 (MANE Select); coding-DNA position 3934, C replaced by T.
Protein change: p.Arg1312Trp; replaces arginine 1312 with tryptophan.
Molecular consequence: missense variant.
Genome position (GRCh38, 1-based): chrX:71,241,095, G>A on the plus strand (C>T on the coding strand, the complement: ZMYM3 is on the minus strand). VCF-style: chrX-71241095-G-A. GRCh37 (hg19) VCF-style: chrX-70460945-G-A.
Other names: c.3898C>T, p.Arg1300Trp (NM_001171162.1); c.3934C>T, p.Arg1312Trp (NM_005096.3); short protein forms R1300W, R1312W.
Identifiers: ClinVar variation 2442560 (VCV002442560.2), dbSNP rs2029922009, ClinGen allele CA413498269.